The following is an entry in ClinVar:

ClinVar aggregate classification (germline): Uncertain significance (1 of 4 stars; one submission).

Submission:

Ambry Genetics
Classification: Uncertain significance. Last evaluated: 2023-03-15. Review status: criteria provided, single submitter. Criteria: Ambry Variant Classification Scheme 2023. Collection method: clinical testing. Allele origin: germline.
Comment: The p.P1932S variant (also known as c.5794C>T), located in coding exon 18 of the POLQ gene, results from a C to T substitution at nucleotide position 5794. The proline at codon 1932 is replaced by serine, an amino acid with similar properties. This amino acid position is conserved. In addition, this alteration is predicted to be tolerated by in silico analysis. Since supporting evidence is limited at this time, the clinical significance of this alteration remains unclear.

NM_199420.4(POLQ):c.5794C>T (p.Pro1932Ser)

Gene: POLQ (DNA polymerase theta; minus strand). Cytogenetic location: 3q13.33.
Variant type: single nucleotide variant.
Coding change: c.5794C>T on transcript NM_199420.4 (MANE Select); coding-DNA position 5794, C replaced by T.
Protein change: p.Pro1932Ser; replaces proline 1932 with serine.
Molecular consequence: missense variant.
Genome position (GRCh38, 1-based): chr3:121,483,562, G>A on the plus strand (C>T on the coding strand, the complement: POLQ is on the minus strand). VCF-style: chr3-121483562-G-A. GRCh37 (hg19) VCF-style: chr3-121202409-G-A.
Other names: short protein forms P1932S.
Identifiers: ClinVar variation 2560534 (VCV002560534.2), dbSNP rs1310532945, ClinGen allele CA354088775.